The following is an entry in ClinVar:

NM_018149.7(SMG8):c.1593T>C (p.Ala531=)

Gene: SMG8 (SMG8 nonsense mediated mRNA decay factor; plus strand). Cytogenetic location: 17q22.
Variant type: single nucleotide variant.
Coding change: c.1593T>C on transcript NM_018149.7 (MANE Select); coding-DNA position 1593, T replaced by C.
Protein change: p.Ala531=; no amino-acid change (alanine 531 retained).
Molecular consequence: synonymous variant.
Genome position (GRCh38, 1-based): chr17:59,211,644, T>C. VCF-style: chr17-59211644-T-C. GRCh37 (hg19) VCF-style: chr17-57289005-T-C.
Identifiers: ClinVar variation 2647978 (VCV002647978.24), dbSNP rs2546573765, ClinGen allele CA501082734.
Genomic context (GRCh38, chr17:59,211,644, plus strand): 5'-CCAGTCAAATTTGCCTCATAATTACACAATGACTGTCCATAAGAATCAGCTTGCCCAGGC[T>C]CTTCGAGTGTACAGTCAACATGCTAGAGGTCCAGCATTTCACAAATACGCCATGCAGTTA-3'
Protein context (NP_060619.4, residues 521-541): MTVHKNQLAQ[Ala531=]LRVYSQHARG

ClinVar aggregate classification (germline): Likely benign (1 of 4 stars; one submission).

Submission:

CeGaT Center for Human Genetics Tuebingen
Classification: Likely benign. Last evaluated: 2023-04-01. Review status: criteria provided, single submitter. Criteria: CeGaT Center For Human Genetics Tuebingen Variant Classification Criteria Version 2. Collection method: clinical testing. Allele origin: germline. Affected: yes. Observed: 1 variant allele.
Comment: SMG8: PM2:Supporting, BP4, BP7